The following is an entry in ClinVar:

ClinVar aggregate classification (germline): Benign. Review status: criteria provided, multiple submitters, no conflicts (2 of 4 stars). 3 submissions from 3 submitters: Benign (3). Last evaluated 2026-02-01.

Conditions:
Hyper-IgM syndrome type 5 (HIGM5). Also called: Hyper-IgM Immunodeficiency Syndrome, Type 5. Identifiers: Orphanet 101092, MedGen C1720958, MONDO:0011971, OMIM 608106.

Allele frequency attached by ClinVar (database versions not stated): ExAC 0.00599; gnomAD 0.01910 and 0.02053; 1000 Genomes Project 0.02017; 1000 Genomes Project 30x 0.02046; TOPMed 0.02056; ESP Exome Variant Server 0.02122.
gnomAD v4.1: 5,504 of 1,613,926 alleles (0.34%); highest among the groups gnomAD compares: African/African-American, 6.6%; 176 homozygotes.

Submissions (3):

Labcorp Genetics (formerly Invitae), Labcorp
Classification: Benign for Hyper-IgM syndrome type 5. Last evaluated: 2026-02-01. Review status: criteria provided, single submitter. Criteria: Invitae Variant Classification Sherloc (09022015). Collection method: clinical testing. Allele origin: germline.

Illumina Laboratory Services, Illumina
Classification: Benign for Hyper-IgM syndrome type 5. Last evaluated: 2018-01-13. Review status: criteria provided, single submitter. Criteria: ICSL Variant Classification Criteria 13 December 2019. Collection method: clinical testing. Allele origin: germline.
Comment: This variant was observed in the ICSL laboratory as part of a predisposition screen in an ostensibly healthy population. It had not been previously curated by ICSL or reported in the Human Gene Mutation Database (HGMD: prior to June 1st, 2018), and was therefore a candidate for classification through an automated scoring system. Utilizing variant allele frequency, disease prevalence and penetrance estimates, and inheritance mode, an automated score was calculated to assess if this variant is too frequent to cause the disease. Based on the score and internal cut-off values, a variant classified as benign is not then subjected to further curation. The score for this variant resulted in a classification of benign for this disease.

Breakthrough Genomics
Classification: Benign. Review status: criteria provided, single submitter. Criteria: ACMG Guidelines, 2015. Collection method: not provided. Allele origin: germline. Inheritance: Autosomal recessive inheritance. Affected: yes.

NM_080911.3(UNG):c.759C>G (p.Leu253=)

Gene: UNG (uracil DNA glycosylase; plus strand). Cytogenetic location: 12q24.11.
Variant type: single nucleotide variant.
Coding change: c.759C>G on transcript NM_080911.3 (MANE Select); coding-DNA position 759, C replaced by G.
Protein change: p.Leu253=; no amino-acid change (leucine 253 retained).
Molecular consequence: synonymous variant.
Genome position (GRCh38, 1-based): chr12:109,103,569, C>G. VCF-style: chr12-109103569-C-G. GRCh37 (hg19) VCF-style: chr12-109541374-C-G.
Other names: c.732C>G, p.Leu244= (NM_003362.4).
Identifiers: ClinVar variation 306977 (VCV000306977.16), dbSNP rs76391872, ClinGen allele CA6772752.
Genomic context (GRCh38, chr12:109,103,569, plus strand): 5'-GTTCACTGATGCAGTTGTGTCCTGGCTAAATCAGAACTCGAATGGCCTTGTTTTCTTGCT[C>G]TGGGGCTCTTATGCTCAGAAGAAGGGCAGTGCCATTGATAGGGTATGTTTTGTTTTCTTT-3'
Protein context (NP_550433.1, residues 243-263): NQNSNGLVFL[Leu253=]WGSYAQKKGS